The following is an entry in ClinVar:

NM_016642.4(SPTBN5):c.7781G>A (p.Ser2594Asn)

Gene: SPTBN5 (spectrin beta, non-erythrocytic 5; minus strand). Cytogenetic location: 15q15.1.
Variant type: single nucleotide variant.
Coding change: c.7781G>A on transcript NM_016642.4 (MANE Select); coding-DNA position 7781, G replaced by A.
Protein change: p.Ser2594Asn; replaces serine 2594 with asparagine.
Molecular consequence: missense variant.
Genome position (GRCh38, 1-based): chr15:41,861,453, C>T on the plus strand (G>A on the coding strand, the complement: SPTBN5 is on the minus strand). VCF-style: chr15-41861453-C-T. GRCh37 (hg19) VCF-style: chr15-42153651-C-T.
Other names: short protein forms S2594N.
Identifiers: ClinVar variation 4589277 (VCV004589277.1).

ClinVar aggregate classification (germline): Uncertain significance (1 of 4 stars; one submission).

gnomAD v4.1: 37 of 1,613,674 alleles (0.0023%); highest among the groups gnomAD compares: South Asian, 0.038%; no homozygotes.

Submission:

Ambry Genetics
Classification: Uncertain significance. Last evaluated: 2025-10-24. Review status: criteria provided, single submitter. Criteria: Ambry Variant Classification Scheme 2023. Collection method: clinical testing. Allele origin: germline.
Comment: The c.7676G>A (p.S2559N) alteration is located in exon 46 (coding exon 45) of the SPTBN5 gene. This alteration results from a G to A substitution at nucleotide position 7676, causing the serine (S) at amino acid position 2559 to be replaced by an asparagine (N). Based on data from gnomAD, the A allele has an overall frequency of 0.005% (12/249230) total alleles studied. The highest observed frequency was 0.039% (12/30602) of South Asian alleles. Based on insufficient or conflicting evidence, the clinical significance of this alteration remains unclear.